The following is an entry in ClinVar:

ClinVar aggregate classification (germline): Uncertain significance (1 of 4 stars; one submission).

gnomAD v4.1: 1 of 1,611,752 alleles (0.000062%); highest among the groups gnomAD compares: Non-Finnish European, 0.000085%; no homozygotes.

Submission:

Ambry Genetics
Classification: Uncertain significance. Last evaluated: 2022-03-06. Review status: criteria provided, single submitter. Criteria: Ambry Variant Classification Scheme 2023. Collection method: clinical testing. Allele origin: germline.
Comment: The p.K1060N variant (also known as c.3180G>T), located in coding exon 20 of the MYOM1 gene, results from a G to T substitution at nucleotide position 3180. The lysine at codon 1060 is replaced by asparagine, an amino acid with similar properties. This amino acid position is conserved. In addition, this alteration is predicted to be tolerated by in silico analysis. Since supporting evidence is limited at this time, the clinical significance of this alteration remains unclear.

NM_003803.4(MYOM1):c.3180G>T (p.Lys1060Asn)

Gene: MYOM1 (myomesin 1; minus strand). Cytogenetic location: 18p11.31.
Variant type: single nucleotide variant.
Coding change: c.3180G>T on transcript NM_003803.4 (MANE Select); coding-DNA position 3180, G replaced by T.
Protein change: p.Lys1060Asn; replaces lysine 1060 with asparagine.
Molecular consequence: missense variant.
Genome position (GRCh38, 1-based): chr18:3,116,454, C>A on the plus strand (G>T on the coding strand, the complement: MYOM1 is on the minus strand). VCF-style: chr18-3116454-C-A. GRCh37 (hg19) VCF-style: chr18-3116452-C-A.
Other names: c.2892G>T, p.Lys964Asn (NM_019856.2); short protein forms K1060N, K964N.
Identifiers: ClinVar variation 1728548 (VCV001728548.2), dbSNP rs2510590209, ClinGen allele CA401705916.